The following is an entry in ClinVar:

ClinVar aggregate classification (germline): Uncertain significance. Review status: criteria provided, multiple submitters, no conflicts (2 of 4 stars). 2 submissions from 2 submitters: Uncertain significance (2). Last evaluated 2025-09-08.

Conditions:
Predisposition to invasive fungal disease due to CARD9 deficiency (IMD103). Also called: IMMUNODEFICIENCY 103, SUSCEPTIBILITY TO FUNGAL INFECTIONS; CARD9 IMMUNODEFICIENCY; Candidiasis, familial, 2, autosomal recessive. Identifiers: Orphanet 457088, MedGen C1859353, MONDO:0008905, OMIM 212050.
Inborn genetic diseases. Identifiers: MedGen C0950123, MeSH D030342.

Allele frequency attached by ClinVar (database versions not stated): ExAC 0.00001; gnomAD 0.00001; gnomAD exomes 0.00001; TOPMed 0.00001.
gnomAD v4.1: 28 of 1,611,556 alleles (0.0017%); highest among the groups gnomAD compares: Non-Finnish European, 0.0022%; no homozygotes.

Submissions (2):

Labcorp Genetics (formerly Invitae), Labcorp
Classification: Uncertain significance for Predisposition to invasive fungal disease due to CARD9 deficiency. Last evaluated: 2025-09-08. Review status: criteria provided, single submitter. Criteria: Invitae Variant Classification Sherloc (09022015). Collection method: clinical testing. Allele origin: germline.
Comment: This sequence change replaces histidine, which is basic and polar, with tyrosine, which is neutral and polar, at codon 469 of the CARD9 protein (p.His469Tyr). The frequency data for this variant in the population databases is considered unreliable, as metrics indicate poor data quality at this position in the gnomAD database. This variant has not been reported in the literature in individuals affected with CARD9-related conditions. ClinVar contains an entry for this variant (Variation ID: 858941). An algorithm developed to predict the effect of missense changes on protein structure and function (PolyPhen-2) suggests that this variant is likely to be tolerated. In summary, the available evidence is currently insufficient to determine the role of this variant in disease. Therefore, it has been classified as a Variant of Uncertain Significance.

Ambry Genetics
Classification: Uncertain significance for Inborn genetic diseases. Last evaluated: 2024-06-18. Review status: criteria provided, single submitter. Criteria: Ambry Variant Classification Scheme 2023. Collection method: clinical testing. Allele origin: germline.

NM_052813.5(CARD9):c.1405C>T (p.His469Tyr)

Gene: CARD9 (caspase recruitment domain family member 9; minus strand). Cytogenetic location: 9q34.3.
Variant type: single nucleotide variant.
Coding change: c.1405C>T on transcript NM_052813.5 (MANE Select); coding-DNA position 1405, C replaced by T.
Protein change: p.His469Tyr; replaces histidine 469 with tyrosine.
Molecular consequence: missense variant.
Genome position (GRCh38, 1-based): chr9:136,365,170, G>A on the plus strand (C>T on the coding strand, the complement: CARD9 is on the minus strand). VCF-style: chr9-136365170-G-A. GRCh37 (hg19) VCF-style: chr9-139259622-G-A.
Other names: c.1405C>T, p.His469Tyr (NM_052814.4); short protein forms H469Y.
Identifiers: ClinVar variation 858941 (VCV000858941.11), dbSNP rs770567400, ClinGen allele CA5332647.